The following is an entry in ClinVar:

ClinVar aggregate classification (germline): Uncertain significance. Review status: criteria provided, multiple submitters, no conflicts (2 of 4 stars). 2 submissions from 2 submitters: Uncertain significance (2). Last evaluated 2025-05-27.

Conditions:
Inborn genetic diseases. Identifiers: MedGen C0950123, MeSH D030342.

gnomAD v4.1: 5 of 1,194,753 alleles (0.00042%); highest among the groups gnomAD compares: East Asian, 0.0089%; no homozygotes.

Submissions (2):

Labcorp Genetics (formerly Invitae), Labcorp
Classification: Uncertain significance. Last evaluated: 2025-05-27. Review status: criteria provided, single submitter. Criteria: Invitae Variant Classification Sherloc (09022015). Collection method: clinical testing. Allele origin: germline.
Comment: This sequence change replaces threonine, which is neutral and polar, with alanine, which is neutral and non-polar, at codon 605 of the PHEX protein (p.Thr605Ala). This variant is not present in population databases (gnomAD no frequency). This variant has not been reported in the literature in individuals affected with PHEX-related conditions. ClinVar contains an entry for this variant (Variation ID: 3651873). An algorithm developed to predict the effect of missense changes on protein structure and function outputs the following: PolyPhen-2: "Benign". The alanine amino acid residue is found in multiple mammalian species, which suggests that this missense change does not adversely affect protein function. In summary, the available evidence is currently insufficient to determine the role of this variant in disease. Therefore, it has been classified as a Variant of Uncertain Significance.

Ambry Genetics
Classification: Uncertain significance for Inborn genetic diseases. Last evaluated: 2025-05-07. Review status: criteria provided, single submitter. Criteria: Ambry Variant Classification Scheme 2023. Collection method: clinical testing. Allele origin: germline.

NM_000444.6(PHEX):c.1813A>G (p.Thr605Ala)

Genes: PHEX (phosphate regulating endopeptidase X-linked; plus strand), PTCHD1-AS (PTCHD1 and PHEX antisense RNA; minus strand). Cytogenetic location: Xp22.11.
Variant type: single nucleotide variant.
Coding change: c.1813A>G on transcript NM_000444.6 (MANE Select); coding-DNA position 1813, A replaced by G.
Protein change: p.Thr605Ala; replaces threonine 605 with alanine.
Molecular consequence: missense variant.
Genome position (GRCh38, 1-based): chrX:22,221,657, A>G. VCF-style: chrX-22221657-A-G. GRCh37 (hg19) VCF-style: chrX-22239774-A-G.
Other names: c.1813A>G (NM_000444.4); c.1813A>G, p.Thr605Ala (NM_001282754.2); short protein forms T605A.
Identifiers: ClinVar variation 3651873 (VCV003651873.3).
Genomic context (GRCh38, chrX:22,221,657, plus strand): 5'-CTTTTCCTTTTGCTAGGTAGAAAATATGATAAAAATGGAAACCTGGATCCTTGGTGGTCT[A>G]CTGAATCAGAAGAAAAGTTTAAGGAAAAAACAAAATGCATGATTAACCAGTATAGCAACT-3'
Protein context (NP_000435.3, residues 595-615): KNGNLDPWWS[Thr605Ala]ESEEKFKEKT